The following is an entry in ClinVar:

NM_177438.3(DICER1):c.3116C>G (p.Ala1039Gly)

Gene: DICER1 (dicer 1, ribonuclease III; minus strand). Cytogenetic location: 14q32.13.
Variant type: single nucleotide variant.
Coding change: c.3116C>G on transcript NM_177438.3 (MANE Select); coding-DNA position 3116, C replaced by G.
Protein change: p.Ala1039Gly; replaces alanine 1039 with glycine.
Molecular consequence: missense variant.
Genome position (GRCh38, 1-based): chr14:95,105,224, G>C on the plus strand (C>G on the coding strand, the complement: DICER1 is on the minus strand). VCF-style: chr14-95105224-G-C. GRCh37 (hg19) VCF-style: chr14-95571561-G-C.
Other names: c.3116C>G, p.Ala1039Gly (NM_001195573.1, NM_001271282.3, NM_001291628.2 and 1 more transcripts); short protein forms A1039G.
Identifiers: ClinVar variation 1514440 (VCV001514440.7), dbSNP rs2139988290, ClinGen allele CA390876889.
Genomic context (GRCh38, chr14:95,105,224, plus strand): 5'-TAAAGTATGCTGGGGAGACAAACAGCTTTTCTCCACAGTGATGCTGGAATTGGATGTATA[G>C]CACAGAGTTCTGGAACCAGTATCTTCAAGTAAGGGGAAAAATGGACAGATAAATACAAAG-3'
Protein context (NP_803187.1, residues 1029-1049): NKQILVPELC[Ala1039Gly]IHPIPASLWR

ClinVar aggregate classification (germline): Uncertain significance (1 of 4 stars; one submission).

Conditions:
DICER1-related tumor predisposition. Also called: DICER1 syndrome; DICER1-related pleuropulmonary blastoma cancer predisposition syndrome. Identifiers: Orphanet 284343, MedGen C3839822, MONDO:0100216.

Submission:

Labcorp Genetics (formerly Invitae), Labcorp
Classification: Uncertain significance for DICER1-related tumor predisposition. Last evaluated: 2021-08-22. Review status: criteria provided, single submitter. Criteria: Invitae Variant Classification Sherloc (09022015). Collection method: clinical testing. Allele origin: germline.
Comment: This sequence change replaces alanine with glycine at codon 1039 of the DICER1 protein (p.Ala1039Gly). The alanine residue is highly conserved and there is a small physicochemical difference between alanine and glycine. This variant is not present in population databases (ExAC no frequency). This variant has not been reported in the literature in individuals affected with DICER1-related conditions. Algorithms developed to predict the effect of missense changes on protein structure and function are either unavailable or do not agree on the potential impact of this missense change (SIFT: "Tolerated"; PolyPhen-2: "Probably Damaging"; Align-GVGD: "Class C0"). Algorithms developed to predict the effect of sequence changes on RNA splicing suggest that this variant may create or strengthen a splice site. In summary, the available evidence is currently insufficient to determine the role of this variant in disease. Therefore, it has been classified as a Variant of Uncertain Significance.